The following is an entry in ClinVar:

NM_000260.4(MYO7A):c.2666C>T (p.Ala889Val)

Gene: MYO7A (myosin VIIA; plus strand). Cytogenetic location: 11q13.5.
Variant type: single nucleotide variant.
Coding change: c.2666C>T on transcript NM_000260.4 (MANE Select); coding-DNA position 2666, C replaced by T.
Protein change: p.Ala889Val; replaces alanine 889 with valine.
Molecular consequence: missense variant.
Genome position (GRCh38, 1-based): chr11:77,180,453, C>T. VCF-style: chr11-77180453-C-T. GRCh37 (hg19) VCF-style: chr11-76891499-C-T.
Other names: c.2666C>T, p.Ala889Val (NM_001127180.2); c.2633C>T, p.Ala878Val (NM_001369365.1); short protein forms A878V, A889V.
Identifiers: ClinVar variation 1064883 (VCV001064883.4), dbSNP rs2135478407, ClinGen allele CA381942487.

ClinVar aggregate classification (germline): Uncertain significance. Review status: criteria provided, multiple submitters, no conflicts (2 of 4 stars). 2 submissions from 2 submitters: Uncertain significance (2). Last evaluated 2025-01-30.

Conditions:
Autosomal dominant nonsyndromic hearing loss 11. Identifiers: Orphanet 90635, MedGen C1832475, MONDO:0011032, OMIM 601317.
Hearing impairment. Also called: Impaired Hearing. Identifiers: MedGen C1384666, MONDO:0005365, HP:0000365.

Submissions (2):

Institute of Medical Genetics and Applied Genomics, University Hospital Tübingen
Classification: Uncertain significance for Autosomal dominant nonsyndromic hearing loss 11. Last evaluated: 2025-01-30. Review status: criteria provided, single submitter. Criteria: ACMG Guidelines, 2015. Collection method: clinical testing. Allele origin: germline. Inheritance: Autosomal dominant inheritance. Affected: yes.

Department of Otolaryngology – Head & Neck Surgery, Cochlear Implant Center
Classification: Uncertain significance for Hearing impairment. Last evaluated: 2021-04-12. Review status: criteria provided, single submitter. Criteria: ClinGen HL ACMG Specifications v1. Collection method: clinical testing. Allele origin: germline. Affected: yes.
Comment: PM2_Moderate, PP3_Supporting